The following is an entry in ClinVar:

ClinVar aggregate classification (germline): Uncertain significance (1 of 4 stars; one submission).

Submission:

Labcorp Genetics (formerly Invitae), Labcorp
Classification: Uncertain significance. Last evaluated: 2022-02-18. Review status: criteria provided, single submitter. Criteria: Invitae Variant Classification Sherloc (09022015). Collection method: clinical testing. Allele origin: germline.
Comment: This sequence change falls in intron 1 of the NTHL1 gene. It does not directly change the encoded amino acid sequence of the NTHL1 protein. This variant is not present in population databases (gnomAD no frequency). This variant has not been reported in the literature in individuals affected with NTHL1-related conditions. Algorithms developed to predict the effect of sequence changes on RNA splicing suggest that this variant may disrupt the consensus splice site. In summary, the available evidence is currently insufficient to determine the role of this variant in disease. Therefore, it has been classified as a Variant of Uncertain Significance.

NM_002528.7(NTHL1):c.116-11_116-6dup

Gene: NTHL1 (nth like DNA glycosylase 1; minus strand). Cytogenetic location: 16p13.3.
Variant type: Duplication.
Coding change: c.116-11_116-6dup on transcript NM_002528.7 (MANE Select); 11 bases into the intron before coding-DNA position 116 through 6 bases into the intron before coding-DNA position 116, 6 bases duplicated (GCTTTT; older notation c.116-11_116-6dupGCTTTT).
Molecular consequence: intron variant.
Genome position (GRCh38, 1-based): chr16:2,046,372-2,046,377, AAAAGC duplicated on the plus strand (GCTTTT on the coding strand, the reverse complement: NTHL1 is on the minus strand); duplicating any 6 consecutive bases within chr16:2,046,372-2,046,378 gives the same sequence; the c. name uses the placement nearest the transcript's 3' end. VCF-style (leftmost placement, unchanged base first): chr16-2046371-A-AAAAAGC. GRCh37 (hg19) VCF-style: chr16-2096372-A-AAAAAGC.
Other names: c.-63-11_-63-6dup (NM_001318194.2); c.116-11_116-6dup (NM_001318193.2).
Identifiers: ClinVar variation 2098179 (VCV002098179.4), dbSNP rs2548321897, ClinGen allele CA2580090655.